The following is an entry in ClinVar:

NM_015662.3(IFT172):c.3761_3766del (p.Pro1254_Ser1255del)

Genes: IFT172 (intraflagellar transport 172; minus strand), LOC126806173 (BRD4-independent group 4 enhancer GRCh37_chr2:27676057-27677256; plus strand). Cytogenetic location: 2p23.3.
Variant type: Deletion.
Coding change: c.3761_3766del on transcript NM_015662.3 (MANE Select); coding-DNA positions 3761 to 3766, 6 bases deleted (CCAGCC; older notation c.3761_3766delCCAGCC).
Protein change: p.Pro1254_Ser1255del.
Molecular consequence: inframe deletion.
Genome position (GRCh38, 1-based): chr2:27,453,685-27,453,690, GGCTGG deleted on the plus strand (CCAGCC on the coding strand, the reverse complement: IFT172 is on the minus strand); deleting any 6 consecutive bases within chr2:27,453,685-27,453,691 gives the same sequence; the c. name uses the placement nearest the transcript's 3' end. VCF-style (leftmost placement, unchanged base first): chr2-27453684-TGGCTGG-T. GRCh37 (hg19) VCF-style: chr2-27676551-TGGCTGG-T.
Other names: c.3761_3766del6 (NM_015662.2).
Identifiers: ClinVar variation 848185 (VCV000848185.13), dbSNP rs763826196, ClinGen allele CA44489999.
Genomic context (GRCh38, chr2:27,453,684, plus strand): 5'-TCATACCTGGCCCCCTTCTTAGTAGCTTCCCGCTCATATTCTTCCTGCAGAGCCTCCAGC[TGGCTGG>T]GCACATAGTCCTTGCAGATGCGCAGAGCGTCACTCCATAATCCAGCCTCCTGCTCAGATT-3'

ClinVar aggregate classification (germline): Uncertain significance. Review status: criteria provided, multiple submitters, no conflicts (2 of 4 stars). 3 submissions from 3 submitters: Uncertain significance (3). Last evaluated 2025-03-26.

Conditions:
IFT172-related disorder. Also called: IFT172-related condition; IFT172-related disorders.
Retinitis pigmentosa 71 (RP71). Identifiers: Orphanet 791, MedGen C4225342, MONDO:0014618, OMIM 616394.
Short-rib thoracic dysplasia 10 with or without polydactyly (SRTD10). Identifiers: Orphanet 474, MedGen C3810175, MONDO:0014284, OMIM 615630.
Bardet-Biedl syndrome 20. Identifiers: MedGen C4310707, MONDO:0023670, OMIM 619471, MONDO:0014926.

Submissions (3):

PreventionGenetics, part of Exact Sciences
Classification: Uncertain significance for IFT172-related condition. Last evaluated: 2025-03-26. Review status: criteria provided, single submitter. Criteria: ACMG Guidelines, 2015. Collection method: clinical testing. Allele origin: germline.
Comment: The IFT172 c.3761_3766del6 variant is predicted to result in an in-frame deletion (p.Pro1254_Ser1255del). To our knowledge, this variant has not been reported in the literature or in a large population database (gnomAD), indicating this variant is rare. At this time, the clinical significance of this variant is uncertain due to the absence of conclusive functional and genetic evidence.

Fulgent Genetics
Classification: Uncertain significance for Short-rib thoracic dysplasia 10 with or without polydactyly; Retinitis pigmentosa 71; Bardet-Biedl syndrome 20. Last evaluated: 2021-11-24. Review status: criteria provided, single submitter. Criteria: ACMG Guidelines, 2015. Collection method: clinical testing. Allele origin: unknown.

Labcorp Genetics (formerly Invitae), Labcorp
Classification: Uncertain significance for Retinitis pigmentosa 71; Short-rib thoracic dysplasia 10 with or without polydactyly. Last evaluated: 2021-07-04. Review status: criteria provided, single submitter. Criteria: Invitae Variant Classification Sherloc (09022015). Collection method: clinical testing. Allele origin: germline.
Comment: In summary, the available evidence is currently insufficient to determine the role of this variant in disease. Therefore, it has been classified as a Variant of Uncertain Significance. Experimental studies and prediction algorithms are not available or were not evaluated, and the functional significance of this variant is currently unknown. This variant has not been reported in the literature in individuals with IFT172-related conditions. This variant is not present in population databases (ExAC no frequency). This variant, c.3761_3766del, results in the deletion of 2 amino acid(s) of the IFT172 protein (p.Pro1254_Ser1255del), but otherwise preserves the integrity of the reading frame.